The following is an entry in ClinVar:

NM_004055.5(CAPN5):c.1652C>T (p.Ser551Leu)

Gene: CAPN5 (calpain 5; plus strand). Cytogenetic location: 11q13.5.
Variant type: single nucleotide variant.
Coding change: c.1652C>T on transcript NM_004055.5 (MANE Select); coding-DNA position 1652, C replaced by T.
Protein change: p.Ser551Leu; replaces serine 551 with leucine.
Molecular consequence: missense variant.
Genome position (GRCh38, 1-based): chr11:77,122,624, C>T. VCF-style: chr11-77122624-C-T. GRCh37 (hg19) VCF-style: chr11-76833670-C-T.
Other names: short protein forms S551L.
Identifiers: ClinVar variation 2611846 (VCV002611846.6), dbSNP rs782766470, ClinGen allele CA6196868.

ClinVar aggregate classification (germline): Conflicting classifications of pathogenicity. Review status: criteria provided, conflicting classifications (1 of 4 stars). 3 submissions from 3 submitters: Uncertain significance (2); Likely benign (1). Last evaluated 2025-03-07.

Conditions:
Inborn genetic diseases. Identifiers: MedGen C0950123, MeSH D030342.

Allele frequency attached by ClinVar (database versions not stated): TOPMed below 0.00001; gnomAD 0.00001; gnomAD exomes 0.00006; ExAC 0.00007.
gnomAD v4.1: 89 of 1,613,008 alleles (0.0055%); highest among the groups gnomAD compares: South Asian, 0.089%; 2 homozygotes.

Submissions (3):

Labcorp Genetics (formerly Invitae), Labcorp
Classification: Uncertain significance. Last evaluated: 2025-03-07. Review status: criteria provided, single submitter. Criteria: Invitae Variant Classification Sherloc (09022015). Collection method: clinical testing. Allele origin: germline.
Comment: This sequence change replaces serine, which is neutral and polar, with leucine, which is neutral and non-polar, at codon 551 of the CAPN5 protein (p.Ser551Leu). This variant is present in population databases (rs782766470, gnomAD 0.06%), and has an allele count higher than expected for a pathogenic variant. This variant has not been reported in the literature in individuals affected with CAPN5-related conditions. ClinVar contains an entry for this variant (Variation ID: 2611846). An algorithm developed to predict the effect of missense changes on protein structure and function (PolyPhen-2) suggests that this variant is likely to be disruptive. In summary, the available evidence is currently insufficient to determine the role of this variant in disease. Therefore, it has been classified as a Variant of Uncertain Significance.

Blueprint Genetics
Classification: Likely benign. Last evaluated: 2023-08-01. Review status: criteria provided, single submitter. Criteria: ACMG Guidelines, 2015. Collection method: clinical testing. Allele origin: germline.

Ambry Genetics
Classification: Uncertain significance for Inborn genetic diseases. Last evaluated: 2023-07-14. Review status: criteria provided, single submitter. Criteria: Ambry Variant Classification Scheme 2023. Collection method: clinical testing. Allele origin: germline.